The following is an entry in ClinVar:

ClinVar aggregate classification (germline): Uncertain significance (1 of 4 stars; one submission).

gnomAD v4.1: 1 of 1,614,208 alleles (0.000062%); highest among the groups gnomAD compares: Non-Finnish European, 0.000085%; no homozygotes.

Submission:

Ambry Genetics
Classification: Uncertain significance. Last evaluated: 2022-09-02. Review status: criteria provided, single submitter. Criteria: Ambry Variant Classification Scheme 2023. Collection method: clinical testing. Allele origin: germline.
Comment: The p.K438T variant (also known as c.1313A>C), located in coding exon 12 of the ILK gene, results from an A to C substitution at nucleotide position 1313. The lysine at codon 438 is replaced by threonine, an amino acid with similar properties. This amino acid position is conserved. In addition, the in silico prediction for this alteration is inconclusive. Since supporting evidence is limited at this time, the clinical significance of this alteration remains unclear.

NM_004517.4(ILK):c.1313A>C (p.Lys438Thr)

Genes: ILK (integrin linked kinase; plus strand), TAF10 (TATA-box binding protein associated factor 10; minus strand). Cytogenetic location: 11p15.4.
Variant type: single nucleotide variant.
Coding change: c.1313A>C on transcript NM_004517.4 (MANE Select); coding-DNA position 1313, A replaced by C.
Protein change: p.Lys438Thr; replaces lysine 438 with threonine.
Molecular consequence: missense variant. On other transcripts: 3 prime UTR variant (1).
Genome position (GRCh38, 1-based): chr11:6,610,565, A>C. VCF-style: chr11-6610565-A-C. GRCh37 (hg19) VCF-style: chr11-6631796-A-C.
Other names: c.1313A>C, p.Lys438Thr (NM_001014794.3, NM_001014795.3); c.1130A>C, p.Lys377Thr (NM_001278441.2); c.911A>C, p.Lys304Thr (NM_001278442.2); c.*357T>G (NM_006284.4); short protein forms K304T, K438T, K377T.
Identifiers: ClinVar variation 1769715 (VCV001769715.2), dbSNP rs2493782862, ClinGen allele CA379468355.